The following is an entry in ClinVar:

NM_172364.5(CACNA2D4):c.1055G>A (p.Arg352Gln)

Gene: CACNA2D4 (calcium voltage-gated channel auxiliary subunit alpha2delta 4; minus strand). Cytogenetic location: 12p13.33.
Variant type: single nucleotide variant.
Coding change: c.1055G>A on transcript NM_172364.5 (MANE Select); coding-DNA position 1055, G replaced by A.
Protein change: p.Arg352Gln; replaces arginine 352 with glutamine.
Molecular consequence: missense variant.
Genome position (GRCh38, 1-based): chr12:1,885,978, C>T on the plus strand (G>A on the coding strand, the complement: CACNA2D4 is on the minus strand). VCF-style: chr12-1885978-C-T. GRCh37 (hg19) VCF-style: chr12-1995144-C-T.
Other names: short protein forms R352Q.
Identifiers: ClinVar variation 1952053 (VCV001952053.6), dbSNP rs758719842, ClinGen allele CA6387307.

ClinVar aggregate classification (germline): Uncertain significance. Review status: criteria provided, multiple submitters, no conflicts (2 of 4 stars). 2 submissions from 2 submitters: Uncertain significance (2). Last evaluated 2022-09-06.

Allele frequency attached by ClinVar (database versions not stated): gnomAD 0.00001; TOPMed 0.00002.
gnomAD v4.1: 9 of 1,612,650 alleles (0.00056%); highest among the groups gnomAD compares: Admixed American, 0.005%; no homozygotes.

Submissions (2):

Labcorp Genetics (formerly Invitae), Labcorp
Classification: Uncertain significance. Last evaluated: 2022-09-06. Review status: criteria provided, single submitter. Criteria: Invitae Variant Classification Sherloc (09022015). Collection method: clinical testing. Allele origin: germline.
Comment: In summary, the available evidence is currently insufficient to determine the role of this variant in disease. Therefore, it has been classified as a Variant of Uncertain Significance. Algorithms developed to predict the effect of missense changes on protein structure and function output the following: SIFT: "Tolerated"; PolyPhen-2: "Benign"; Align-GVGD: "Class C0". The glutamine amino acid residue is found in multiple mammalian species, which suggests that this missense change does not adversely affect protein function. This variant has not been reported in the literature in individuals affected with CACNA2D4-related conditions. The frequency data for this variant in the population databases is considered unreliable, as metrics indicate poor data quality at this position in the gnomAD database. This sequence change replaces arginine, which is basic and polar, with glutamine, which is neutral and polar, at codon 352 of the CACNA2D4 protein (p.Arg352Gln).

Blueprint Genetics
Classification: Uncertain significance. Last evaluated: 2021-09-20. Review status: criteria provided, single submitter. Criteria: ACMG Guidelines, 2015. Collection method: clinical testing. Allele origin: germline.